The following is an entry in ClinVar:

ClinVar aggregate classification (germline): Uncertain significance (1 of 4 stars; one submission).

Conditions:
Hereditary cancer-predisposing syndrome. Also called: Tumor predisposition; Hereditary neoplastic syndrome; Hereditary Cancer Syndrome; Neoplastic Syndromes, Hereditary. Identifiers: Orphanet 140162, MedGen C0027672, MeSH D009386, MONDO:0015356.

Submission:

Ambry Genetics
Classification: Uncertain significance for Hereditary cancer-predisposing syndrome. Last evaluated: 2025-04-21. Review status: criteria provided, single submitter. Criteria: Ambry Variant Classification Scheme 2023. Collection method: clinical testing. Allele origin: germline.
Comment: The p.P299T variant (also known as c.895C>A), located in coding exon 6 of the RAD51C gene, results from a C to A substitution at nucleotide position 895. The proline at codon 299 is replaced by threonine, an amino acid with highly similar properties. This amino acid position is conserved. In addition, this alteration is predicted to be deleterious by in silico analysis. Based on the available evidence, the clinical significance of this variant remains unclear.

NM_058216.3(RAD51C):c.895C>A (p.Pro299Thr)

Gene: RAD51C (RAD51 paralog C; plus strand). Cytogenetic location: 17q22.
Variant type: single nucleotide variant.
Coding change: c.895C>A on transcript NM_058216.3 (MANE Select); coding-DNA position 895, C replaced by A.
Protein change: p.Pro299Thr; replaces proline 299 with threonine.
Molecular consequence: missense variant. On other transcripts: non-coding transcript variant (1).
Genome position (GRCh38, 1-based): chr17:58,720,803, C>A. VCF-style: chr17-58720803-C-A. GRCh37 (hg19) VCF-style: chr17-56798164-C-A.
Other names: short protein forms P299T.
Identifiers: ClinVar variation 3942364 (VCV003942364.1).